The following is an entry in ClinVar:

NM_001009944.3(PKD1):c.11445_11446insGGGTGTATGAC (p.Ser3816fs)

Genes: PKD1 (polycystin 1, transient receptor potential channel interacting; minus strand), PKD1-AS1 (PKD1 antisense RNA 1; plus strand). Cytogenetic location: 16p13.3.
Variant type: Insertion.
Coding change: c.11445_11446insGGGTGTATGAC on transcript NM_001009944.3 (MANE Select); coding-DNA positions 11445 to 11446, GGGTGTATGAC inserted.
Protein change: p.Ser3816fs; shifts the reading frame from serine 3816.
Molecular consequence: frameshift variant.
Genome position: GRCh38 VCF-style: chr16-2091872-T-TGTCATACACCC. GRCh37 (hg19) VCF-style: chr16-2141873-T-TGTCATACACCC.
Other names: c.11442_11443insGGGTGTATGAC, p.Ser3815fs (NM_000296.4); short protein forms S3815fs, S3816fs.
Identifiers: ClinVar variation 4879603 (VCV004879603.1).

ClinVar aggregate classification (germline): Pathogenic (1 of 4 stars; one submission).

Conditions:
Polycystic kidney disease, adult type (PKD1). Also called: Polycystic Kidney Disease 1, Autosomal Dominant; Polycystic kidney disease 1; Polycystic kidney disease 1, severe; POLYCYSTIC KIDNEY DISEASE, ADULT, TYPE I; Polycystic Kidney, Autosomal Dominant; POLYCYSTIC KIDNEY DISEASE 1 WITH OR WITHOUT POLYCYSTIC LIVER DISEASE. Identifiers: MedGen C3149841, MONDO:0008263, OMIM 173900.

Submission:

Victorian Clinical Genetics Services, Murdoch Childrens Research Institute
Classification: Pathogenic for Polycystic kidney disease, adult type. Last evaluated: 2026-03-27. Review status: criteria provided, single submitter. Criteria: ACMG Guidelines, 2015. Collection method: clinical testing. Allele origin: germline. Affected: yes.
Comment: This variant is classified as Pathogenic. Evidence in support of pathogenic classification: Variant is predicted to cause nonsense-mediated decay (NMD) and loss of protein (premature termination codon is located at least 54 nucleotides upstream of the final exon-exon junction); Variant is absent from gnomAD (v2, v3 and v4); Other NMD-predicted variant(s) comparable to the one identified in this case have very strong previous evidence for pathogenicity (DECIPHER). Additional information: This variant is heterozygous; This gene is associated with autosomal dominant disease. Polycystic kidney disease 1 (MIM#173900) is predominantly caused by monoallelic variants, with rare reports of biallelic variants causing disease (OMIM); This variant has no previous evidence of pathogenicity; No published evidence of segregation with disease has been identified for this variant; No published functional evidence has been identified for this variant; Loss of function is a known mechanism of disease in this gene and is associated with polycystic kidney disease 1 (MIM#173900). - Inheritance information for this variant is not currently available in this individual.